The following is an entry in ClinVar:

ClinVar aggregate classification (germline): Benign (0 of 4 stars; one submission).

Conditions:
PXDNL-related disorder. Also called: PXDNL-related condition.

Allele frequency attached by ClinVar (database versions not stated): TOPMed 0.01142; gnomAD 0.01147; ESP Exome Variant Server 0.01302; 1000 Genomes Project 0.01418; 1000 Genomes Project 30x 0.01437; ExAC 0.01879.
gnomAD v4.1: 25,411 of 1,613,468 alleles (1.6%); highest among the groups gnomAD compares: Middle Eastern, 5.4%; 335 homozygotes.

Submission:

PreventionGenetics, part of Exact Sciences
Classification: Benign for PXDNL-related condition. Last evaluated: 2020-02-18. Review status: no assertion criteria provided. Collection method: clinical testing. Allele origin: germline.
Comment: This variant is classified as benign based on ACMG/AMP sequence variant interpretation guidelines (Richards et al. 2015 PMID: 25741868, with internal and published modifications).

NM_144651.5(PXDNL):c.3774T>A (p.Cys1258Ter)

Gene: PXDNL (peroxidasin like; minus strand). Cytogenetic location: 8q11.22.
Variant type: single nucleotide variant.
Coding change: c.3774T>A on transcript NM_144651.5 (MANE Select); coding-DNA position 3774, T replaced by A.
Protein change: p.Cys1258Ter; replaces cysteine 1258 with a stop codon.
Molecular consequence: nonsense.
Genome position (GRCh38, 1-based): chr8:51,372,000, A>T on the plus strand (T>A on the coding strand, the complement: PXDNL is on the minus strand). VCF-style: chr8-51372000-A-T. GRCh37 (hg19) VCF-style: chr8-52284560-A-T.
Other names: short protein forms C1258*.
Identifiers: ClinVar variation 3039724 (VCV003039724.2), dbSNP rs117752382, ClinGen allele CA4744702.